The following is an entry in ClinVar:

NM_021055.3(TSC2):c.2837+1020_2837+1021insAGGAGCTGGGCTCTCTGGGGCGTTGGGGCTCCTTCCTCACCCGATAGTCTGAGGA

Gene: TSC2 (TSC complex subunit 2; plus strand). Cytogenetic location: 16p13.3.
Variant type: Insertion.
Coding change: c.2837+1020_2837+1021insAGGAGCTGGGCTCTCTGGGGCGTTGGGGCTCCTTCCTCACCCGATAGTCTGAGGA on transcript NM_021055.3; bases 1020 to 1021 of the intron after coding-DNA position 2837, AGGAGCTGGGCTCTCTGGGGCGTTGGGGCTCCTTCCTCACCCGATAGTCTGAGGA inserted.
Molecular consequence: intron variant.
Genome position: GRCh38: chr16:2,077,605-2,077,606. GRCh37 (hg19): chr16:2,127,606-2,127,607.
Other names: c.1493+1020_1493+1021insAGGAGCTGGGCTCTCTGGGGCGTTGGGGCTCCTTCCTCACCCGATAGTCTGAGGA (NM_001406693.1, NM_001406690.1, NM_001406692.1 and 5 more transcripts); c.2927+1020_2927+1021insAGGAGCTGGGCTCTCTGGGGCGTTGGGGCTCCTTCCTCACCCGATAGTCTGAGGA (NM_001406667.1, NM_001406668.1); c.2237+1020_2237+1021insAGGAGCTGGGCTCTCTGGGGCGTTGGGGCTCCTTCCTCACCCGATAGTCTGAGGA (NM_001406687.1, NM_001406685.1, NM_001318831.2 and 2 more transcripts); c.1235+1020_1235+1021insAGGAGCTGGGCTCTCTGGGGCGTTGGGGCTCCTTCCTCACCCGATAGTCTGAGGA (NM_001406698.1); c.2837+1020_2837+1021insAGGAGCTGGGCTCTCTGGGGCGTTGGGGCTCCTTCCTCACCCGATAGTCTGAGGA (NM_001370405.1, NM_001363528.2, NM_001406665.1 and 2 more transcripts); c.2825+1020_2825+1021insAGGAGCTGGGCTCTCTGGGGCGTTGGGGCTCCTTCCTCACCCGATAGTCTGAGGA (NM_001406671.1, NM_001406673.1); c.2375+1020_2375+1021insAGGAGCTGGGCTCTCTGGGGCGTTGGGGCTCCTTCCTCACCCGATAGTCTGAGGA (NM_001406681.1); c.2726+1020_2726+1021insAGGAGCTGGGCTCTCTGGGGCGTTGGGGCTCCTTCCTCACCCGATAGTCTGAGGA (NM_001318827.2, NM_001406678.1); and 3 more.
Identifiers: ClinVar variation 3724902 (VCV003724902.2).

ClinVar aggregate classification (germline): Uncertain significance (1 of 4 stars; one submission).

Conditions:
Tuberous sclerosis 2 (TSC2). Identifiers: Orphanet 805, MedGen C1860707, MONDO:0013199, OMIM 613254.

Submission:

Labcorp Genetics (formerly Invitae), Labcorp
Classification: Uncertain significance for Tuberous sclerosis 2. Last evaluated: 2024-11-10. Review status: criteria provided, single submitter. Criteria: Invitae Variant Classification Sherloc (09022015). Collection method: clinical testing. Allele origin: germline.
Comment: This sequence change creates a premature translational stop signal (p.Ile949Lysfs*16) in the TSC2 gene. Loss-of-function variants in TSC2 are known to be pathogenic (PMID: 10205261, 17304050). However, tissue-specific alternative splicing of TSC2 gene results in a functional isoform lacking in-frame exon 26 (also known as exon 25, PMID: 26703369). For this reason the clinical significance of loss of function variants in exon 26 is currently uncertain. This variant is not present in population databases (gnomAD no frequency). This variant has not been reported in the literature in individuals affected with TSC2-related conditions. In summary, the available evidence is currently insufficient to determine the role of this variant in disease. Therefore, it has been classified as a Variant of Uncertain Significance.

Literature cited by the submitters: PubMed 10205261; PubMed 17304050.